The following is an entry in ClinVar:

NM_133433.4(NIPBL):c.4536T>C (p.Asn1512=)

Gene: NIPBL (NIPBL cohesin loading factor; plus strand). Cytogenetic location: 5p13.2.
Variant type: single nucleotide variant.
Coding change: c.4536T>C on transcript NM_133433.4 (MANE Select); coding-DNA position 4536, T replaced by C.
Protein change: p.Asn1512=; no amino-acid change (asparagine 1512 retained).
Molecular consequence: synonymous variant.
Genome position (GRCh38, 1-based): chr5:37,010,201, T>C. VCF-style: chr5-37010201-T-C. GRCh37 (hg19) VCF-style: chr5-37010303-T-C.
Other names: c.4536T>C, p.Asn1512= (NM_015384.5).
Identifiers: ClinVar variation 2655424 (VCV002655424.24), dbSNP rs1747946623, ClinGen allele CA443905366.

ClinVar aggregate classification (germline): Likely benign (1 of 4 stars; one submission).

Allele frequency attached by ClinVar (database versions not stated): gnomAD exomes below 0.00001; gnomAD 0.00001.
gnomAD v4.1: 3 of 1,610,208 alleles (0.00019%); highest among the groups gnomAD compares: Non-Finnish European, 0.00025%; no homozygotes.

Submission:

CeGaT Center for Human Genetics Tuebingen
Classification: Likely benign. Last evaluated: 2022-09-01. Review status: criteria provided, single submitter. Criteria: CeGaT Center For Human Genetics Tuebingen Variant Classification Criteria Version 2. Collection method: clinical testing. Allele origin: germline. Affected: yes. Observed: 1 variant allele.
Comment: NIPBL: BP4, BP7